The following is an entry in ClinVar:

NC_012920.1(MT-TG):m.10043del

Gene: MT-TG (mitochondrially encoded tRNA glycine; plus strand).
Variant type: Deletion.
Genome position: chrM-10042-AC-A.
Identifiers: ClinVar variation 690107 (VCV000690107.1), dbSNP rs1603222645, ClinGen allele CA915952058.

ClinVar aggregate classification (germline): Uncertain significance (1 of 4 stars; one submission).

Conditions:
MELAS syndrome (MELAS). Also called: Juvenile myopathy, encephalopathy, lactic acidosis, stroke. Identifiers: Orphanet 550, MedGen C0162671, MONDO:0010789, OMIM 540000.

Submission:

Wong Mito Lab, Molecular and Human Genetics, Baylor College of Medicine
Classification: Uncertain significance for MELAS syndrome. Last evaluated: 2019-07-12. Review status: criteria provided, single submitter. Criteria: Modified ACMG Guidelines (Unpublished). Collection method: clinical testing. Allele origin: germline.
Comment: The NC_012920.1:m.10043delC variant in MT-TG gene is interpreted to be a Unknown Significance variant based on the modified ACMG guidelines (unpublished). This variant meets the following evidence codes reported in the guidelines: PP4, PP6, PP7

Literature cited by the submitters: PubMed 31965079.